The following is an entry in ClinVar:

NM_001377.3(DYNC2H1):c.6387G>T (p.Trp2129Cys)

Gene: DYNC2H1 (dynein cytoplasmic 2 heavy chain 1; plus strand). Cytogenetic location: 11q22.3.
Variant type: single nucleotide variant.
Coding change: c.6387G>T on transcript NM_001377.3 (MANE Select); coding-DNA position 6387, G replaced by T.
Protein change: p.Trp2129Cys; replaces tryptophan 2129 with cysteine.
Molecular consequence: missense variant.
Genome position (GRCh38, 1-based): chr11:103,181,796, G>T. VCF-style: chr11-103181796-G-T. GRCh37 (hg19) VCF-style: chr11-103052525-G-T.
Other names: c.6387G>T, p.Trp2129Cys (NM_001080463.2); short protein forms W2129C.
Identifiers: ClinVar variation 617817 (VCV000617817.2), dbSNP rs1332318318, ClinGen allele CA382248518.

ClinVar aggregate classification (germline): Uncertain significance. Review status: criteria provided, single submitter (1 of 4 stars). 2 submissions from 2 submitters: Uncertain significance (1). 1 of the submissions does not count toward it. Last evaluated 2023-12-21.

Conditions:
Asphyxiating thoracic dystrophy 3. Also called: SHORT-RIB THORACIC DYSPLASIA 3/6 WITH POLYDACTYLY, DIGENIC; POLYDACTYLY WITH NEONATAL CHONDRODYSTROPHY, TYPE I; Saldino-Noonan Syndrome; Short rib polydactyly syndrome 2B; SHORT-RIB THORACIC DYSPLASIA 3 WITH OR WITHOUT POLYDACTYLY. Identifiers: Orphanet 474, Orphanet 93269, Orphanet 93270, Orphanet 93271, MedGen C0036069, MONDO:0013127, OMIM 613091.

gnomAD v4.1: 8 of 1,576,168 alleles (0.00051%); highest among the groups gnomAD compares: Non-Finnish European, 0.00069%; no homozygotes.

Submissions (2):

Victorian Clinical Genetics Services, Murdoch Childrens Research Institute
Classification: Uncertain significance for Asphyxiating thoracic dystrophy 3. Last evaluated: 2023-12-21. Review status: criteria provided, single submitter. Criteria: ACMG Guidelines, 2015. Collection method: clinical testing. Allele origin: germline. Inheritance: Autosomal recessive inheritance. Affected: yes.
Comment: Based on the classification scheme VCGS_Germline_v1.3.4, this variant is classified as VUS-3A. Following criteria are met: 0102 - Loss of function is a known mechanism of disease in this gene and is associated with short-rib thoracic dysplasia 3 with or without polydactyly (MIM#613091). (I) 0106 - This gene is associated with autosomal recessive disease. (I) 0200 - Variant is predicted to result in a missense amino acid change from tryptophan to cysteine. (I) 0251 - This variant is heterozygous. (I) 0301 - Variant is absent from gnomAD (both v2 and v3). (SP) 0501 - Missense variant consistently predicted to be damaging by multiple in silico tools or highly conserved with a major amino acid change. (SP) 0600 - Variant is located in the annotated AAA1 ATP binding and hydrolysis domain (PMID: 27925158). (I) 0705 - No comparable missense variants have previous evidence for pathogenicity. (I) 0803 - This variant has limited previous evidence of pathogenicity in an unrelated individual. This variant has been observed as compound heterozygous in an individual with short-rib polydactyly syndrome (PMID: 27925158). (SP) 0905 - No published segregation evidence has been identified for this variant. (I) 1007 - No published functional evidence has been identified for this variant. (I) 1208 - Inheritance information for this variant is not currently available in this individual. (I) Legend: (SP) - Supporting pathogenic, (I) - Information, (SB) - Supporting benign

University of Washington Center for Mendelian Genomics, University of Washington
Classification: Likely pathogenic for Short rib polydactyly syndrome Saldino Noonan type. Last evaluated: 2016-12-07. Review status: no assertion criteria provided. Collection method: research. Allele origin: inherited. Affected: yes. Observed: 1 compound heterozygote. Not counted in ClinVar's aggregate classification.

Literature cited by the submitters: PubMed 27925158 (cited by Victorian Clinical Genetics Services, Murdoch Childrens Research Institute and University of Washington Center for Mendelian Genomics, University of Washington).